The following is an entry in ClinVar:

ClinVar aggregate classification (germline): Benign (1 of 4 stars; one submission).

Allele frequency attached by ClinVar (database versions not stated): TOPMed 0.18753; gnomAD 0.17481 and 0.18488; 1000 Genomes Project 30x 0.25016; 1000 Genomes Project 0.25479.
gnomAD v4.1: 28,206 of 152,200 alleles (19%); highest among the groups gnomAD compares: South Asian, 39%; 3,114 homozygotes.

Submission:

GeneDx
Classification: Benign. Last evaluated: 2018-06-19. Review status: criteria provided, single submitter. Criteria: GeneDx Variant Classification (06012015). Collection method: clinical testing. Allele origin: germline. Affected: yes.
Comment: This variant is considered likely benign or benign based on one or more of the following criteria: it is a conservative change, it occurs at a poorly conserved position in the protein, it is predicted to be benign by multiple in silico algorithms, and/or has population frequency not consistent with disease.

NM_001134363.1(RBM20):c.-403C>A

Genes: RBM20 (RNA binding motif protein 20; plus strand), LOC130004732 (ATAC-STARR-seq lymphoblastoid silent region 2821; plus strand). Cytogenetic location: 10q25.2.
Variant type: single nucleotide variant.
Coding change: c.-403C>A on transcript NM_001134363.1; 403 bases upstream of the start codon, C replaced by A.
Genome position (GRCh38, 1-based): chr10:110,644,052, C>A. VCF-style: chr10-110644052-C-A. GRCh37 (hg19) VCF-style: chr10-112403810-C-A.
Identifiers: ClinVar variation 668998 (VCV000668998.3), dbSNP rs72641325, ClinGen allele CA13203524.